The following is an entry in ClinVar:

ClinVar aggregate classification (germline): Conflicting classifications of pathogenicity. Review status: criteria provided, conflicting classifications (1 of 4 stars). 4 submissions from 4 submitters: Uncertain significance (2); Likely benign (1). 1 of the submissions does not count toward it. Last evaluated 2025-05-04.

Conditions:
Cataract 41 (CTRCT41). Also called: CATARACT 41, CONGENITAL NUCLEAR TYPE. Identifiers: Orphanet 91492, Orphanet 98991, Orphanet 98992, Orphanet 98995, MedGen C3805412, MONDO:0007287, OMIM 116400.
Wolfram-like syndrome. Also called: HEARING LOSS, PROGRESSIVE, WITH OPTIC ATROPHY AND/OR IMPAIRED GLUCOSE REGULATION. Identifiers: Orphanet 411590, MedGen C3280358, MONDO:0013673, OMIM 614296.
Wolfram syndrome 1 (WFS1). Identifiers: Orphanet 3463, MedGen C4551693, MONDO:0009101, OMIM 222300.
Autosomal dominant nonsyndromic hearing loss 6 (LFSNHL). Also called: DEAFNESS, AUTOSOMAL DOMINANT 14; DEAFNESS, AUTOSOMAL DOMINANT 38; Autosomal dominant nonsyndromic deafness 6; DEAFNESS, AUTOSOMAL DOMINANT 6. Identifiers: Orphanet 90635, MedGen C1833021, MONDO:0010963, OMIM 600965.
Type 2 diabetes mellitus. Also called: Type II diabetes mellitus. Identifiers: MedGen C0011860, MeSH D003924, MONDO:0005148, OMIM 125853, HP:0005978.

Allele frequency attached by ClinVar (database versions not stated): gnomAD 0.00001; TOPMed 0.00002.
gnomAD v4.1: 84 of 1,612,616 alleles (0.0052%); highest among the groups gnomAD compares: Non-Finnish European, 0.0069%; no homozygotes.

Submissions (4):

Labcorp Genetics (formerly Invitae), Labcorp
Classification: Uncertain significance. Last evaluated: 2025-05-04. Review status: criteria provided, single submitter. Criteria: Invitae Variant Classification Sherloc (09022015). Collection method: clinical testing. Allele origin: germline.
Comment: This sequence change replaces methionine, which is neutral and non-polar, with valine, which is neutral and non-polar, at codon 731 of the WFS1 protein (p.Met731Val). This variant is present in population databases (rs144010362, gnomAD 0.006%). This variant has not been reported in the literature in individuals affected with WFS1-related conditions. ClinVar contains an entry for this variant (Variation ID: 374399). Invitae Evidence Modeling of protein sequence and biophysical properties (such as structural, functional, and spatial information, amino acid conservation, physicochemical variation, residue mobility, and thermodynamic stability) indicates that this missense variant is not expected to disrupt WFS1 protein function with a negative predictive value of 95%. In summary, the available evidence is currently insufficient to determine the role of this variant in disease. Therefore, it has been classified as a Variant of Uncertain Significance.

Fulgent Genetics
Classification: Uncertain significance for Cataract 41; Type 2 diabetes mellitus; Wolfram syndrome 1; Autosomal dominant nonsyndromic hearing loss 6; Wolfram-like syndrome. Last evaluated: 2024-01-31. Review status: criteria provided, single submitter. Criteria: ACMG Guidelines, 2015. Collection method: clinical testing. Allele origin: germline.

Clinical Genomics, Uppaluri K&H Personalized Medicine Clinic
Classification: Likely benign for Wolfram syndrome 1. Review status: criteria provided, single submitter. Criteria: K & H Uppaluri Personalized Medicine Clinic Variant Classification & Assertion Criteria_Updated V.1. Collection method: research. Allele origin: unknown. Inheritance: Autosomal recessive inheritance.
Comment: Potent mutations in WFS1 gene are associated with Wolfram's syndrome, an autosomal recessive condition, which cause diabetes mellitus, diabetes insipidus, deafness and optic atrophy. However no sufficient evidence is found to ascertain the role of this particular variant rs144010362 in Wolfram's syndrome yet.

Baylor Genetics
Classification: Uncertain significance for Wolfram syndrome 1. Last evaluated: 2014-09-24. Review status: no assertion criteria provided. Collection method: clinical testing. Allele origin: germline. Inheritance: Autosomal recessive inheritance. Observed: 2 variant alleles, 1 heterozygote, 1 compound heterozygote. Not counted in ClinVar's aggregate classification.
Comment: Brain MRI showed dysplastic corpus callosum and possible intracranial lipoma.

Literature cited by the submitters: PubMed 20738327 (cited by Clinical Genomics, Uppaluri K&H Personalized Medicine Clinic); PubMed 33879153 (cited by Clinical Genomics, Uppaluri K&H Personalized Medicine Clinic); PubMed 12955714 (cited by Clinical Genomics, Uppaluri K&H Personalized Medicine Clinic); PubMed 18060660 (cited by Clinical Genomics, Uppaluri K&H Personalized Medicine Clinic); PubMed 20301750 (cited by Clinical Genomics, Uppaluri K&H Personalized Medicine Clinic); PubMed 17603484 (cited by Clinical Genomics, Uppaluri K&H Personalized Medicine Clinic).

NM_006005.3(WFS1):c.2191A>G (p.Met731Val)

Gene: WFS1 (wolframin ER transmembrane glycoprotein; plus strand). Cytogenetic location: 4p16.1.
Variant type: single nucleotide variant.
Coding change: c.2191A>G on transcript NM_006005.3 (MANE Select); coding-DNA position 2191, A replaced by G.
Protein change: p.Met731Val; replaces methionine 731 with valine.
Molecular consequence: missense variant.
Genome position (GRCh38, 1-based): chr4:6,301,986, A>G. VCF-style: chr4-6301986-A-G. GRCh37 (hg19) VCF-style: chr4-6303713-A-G.
Other names: c.2191A>G, p.Met731Val (NM_001145853.1); short protein forms M731V.
Identifiers: ClinVar variation 374399 (VCV000374399.8), dbSNP rs144010362, ClinGen allele CA2839640.